The following is an entry in ClinVar:

ClinVar aggregate classification (germline): Uncertain significance (1 of 4 stars; one submission).

Conditions:
Hajdu-Cheney syndrome (HJCYS). Also called: SERPENTINE FIBULA-POLYCYSTIC KIDNEY SYNDROME; Acroosteolysis dominant type; ACROOSTEOLYSIS WITH OSTEOPOROSIS AND CHANGES IN SKULL AND MANDIBLE. Identifiers: Orphanet 955, MedGen C0917715, MONDO:0007057, OMIM 102500.

gnomAD v4.1: 1 of 1,614,220 alleles (0.000062%); highest among the groups gnomAD compares: South Asian, 0.0011%; no homozygotes.

Submission:

Labcorp Genetics (formerly Invitae), Labcorp
Classification: Uncertain significance for Hajdu-Cheney syndrome. Last evaluated: 2026-01-08. Review status: criteria provided, single submitter. Criteria: Invitae Variant Classification Sherloc (09022015). Collection method: clinical testing. Allele origin: germline.
Comment: This sequence change replaces tyrosine, which is neutral and polar, with cysteine, which is neutral and slightly polar, at codon 1592 of the NOTCH2 protein (p.Tyr1592Cys). This variant is not present in population databases (gnomAD no frequency). This variant has not been reported in the literature in individuals affected with NOTCH2-related conditions. ClinVar contains an entry for this variant (Variation ID: 3624936). Invitae Evidence Modeling of protein sequence and biophysical properties (such as structural, functional, and spatial information, amino acid conservation, physicochemical variation, residue mobility, and thermodynamic stability) indicates that this missense variant is not expected to disrupt NOTCH2 protein function with a negative predictive value of 80%. In summary, the available evidence is currently insufficient to determine the role of this variant in disease. Therefore, it has been classified as a Variant of Uncertain Significance.

NM_024408.4(NOTCH2):c.4775A>G (p.Tyr1592Cys)

Gene: NOTCH2 (notch receptor 2; minus strand). Cytogenetic location: 1p12.
Variant type: single nucleotide variant.
Coding change: c.4775A>G on transcript NM_024408.4 (MANE Select); coding-DNA position 4775, A replaced by G.
Protein change: p.Tyr1592Cys; replaces tyrosine 1592 with cysteine.
Molecular consequence: missense variant.
Genome position (GRCh38, 1-based): chr1:119,923,721, T>C on the plus strand (A>G on the coding strand, the complement: NOTCH2 is on the minus strand). VCF-style: chr1-119923721-T-C. GRCh37 (hg19) VCF-style: chr1-120466344-T-C.
Other names: short protein forms Y1592C.
Identifiers: ClinVar variation 3624936 (VCV003624936.2).